The following is an entry in ClinVar:

NM_000465.4(BARD1):c.2116A>C (p.Lys706Gln)

Gene: BARD1 (BRCA1 associated RING domain 1; minus strand). Cytogenetic location: 2q35.
Variant type: single nucleotide variant.
Coding change: c.2116A>C on transcript NM_000465.4 (MANE Select); coding-DNA position 2116, A replaced by C.
Protein change: p.Lys706Gln; replaces lysine 706 with glutamine.
Molecular consequence: missense variant. On other transcripts: non-coding transcript variant (3).
Genome position (GRCh38, 1-based): chr2:214,728,894, T>G on the plus strand (A>C on the coding strand, the complement: BARD1 is on the minus strand). VCF-style: chr2-214728894-T-G. GRCh37 (hg19) VCF-style: chr2-215593618-T-G.
Other names: c.2059A>C, p.Lys687Gln (NM_001282543.2); c.763A>C, p.Lys255Gln (NM_001282545.2); c.706A>C, p.Lys236Gln (NM_001282548.2); c.577A>C, p.Lys193Gln (NM_001282549.2); short protein forms K706Q, K236Q, K193Q, K687Q, K255Q.
Identifiers: ClinVar variation 530194 (VCV000530194.7), dbSNP rs149262370, ClinGen allele CA350450583.

ClinVar aggregate classification (germline): Uncertain significance (1 of 4 stars; one submission).

Conditions:
Familial cancer of breast. Also called: BREAST CANCER, FAMILIAL; Hereditary breast cancer; hereditary breast carcinoma. Identifiers: Orphanet 227535, MedGen C0346153, MONDO:0016419, OMIM 114480. Disease mechanism: loss of function.

Submission:

Labcorp Genetics (formerly Invitae), Labcorp
Classification: Uncertain significance for Familial cancer of breast. Last evaluated: 2025-07-07. Review status: criteria provided, single submitter. Criteria: Invitae Variant Classification Sherloc (09022015). Collection method: clinical testing. Allele origin: germline.
Comment: This sequence change replaces lysine, which is basic and polar, with glutamine, which is neutral and polar, at codon 706 of the BARD1 protein (p.Lys706Gln). This variant is not present in population databases (gnomAD no frequency). This variant has not been reported in the literature in individuals affected with BARD1-related conditions. ClinVar contains an entry for this variant (Variation ID: 530194). An algorithm developed to predict the effect of missense changes on protein structure and function (PolyPhen-2) suggests that this variant is likely to be tolerated. In summary, the available evidence is currently insufficient to determine the role of this variant in disease. Therefore, it has been classified as a Variant of Uncertain Significance.